The following is an entry in ClinVar:

NM_000057.4(BLM):c.3016_3017del (p.Met1006fs)

Gene: BLM (BLM RecQ like helicase; plus strand). Cytogenetic location: 15q26.1.
Variant type: Deletion.
Coding change: c.3016_3017del on transcript NM_000057.4 (MANE Select); coding-DNA positions 3016 to 3017, 2 bases deleted (AT; older notation c.3016_3017delAT).
Protein change: p.Met1006fs; shifts the reading frame from methionine 1006.
Molecular consequence: frameshift variant.
Genome position (GRCh38, 1-based): chr15:90,790,841-90,790,842, AT deleted. VCF-style (leftmost placement, unchanged base first): chr15-90790840-AAT-A. GRCh37 (hg19) VCF-style: chr15-91334070-AAT-A.
Other names: c.3016_3017del, p.Met1006fs (NM_001287246.2, NM_001287247.2); c.1891_1892del, p.Met631fs (NM_001287248.2); short protein forms M631fs, M1006fs.
Identifiers: ClinVar variation 556531 (VCV000556531.8), dbSNP rs1555423119, ClinGen allele CA658824100.

ClinVar aggregate classification (germline): Pathogenic. Review status: criteria provided, single submitter (1 of 4 stars). 2 submissions from 2 submitters: Pathogenic (1). 1 of the submissions does not count toward it. Last evaluated 2021-05-07.

Conditions:
Bloom syndrome (BLM). Also called: Bloom-Torre-Machacek syndrome. Identifiers: Orphanet 125, MedGen C0005859, MONDO:0008876, OMIM 210900.

Submissions (2):

Labcorp Genetics (formerly Invitae), Labcorp
Classification: Pathogenic for Bloom syndrome. Last evaluated: 2021-05-07. Review status: criteria provided, single submitter. Criteria: Invitae Variant Classification Sherloc (09022015). Collection method: clinical testing. Allele origin: germline.
Comment: This variant is not present in population databases (ExAC no frequency). For these reasons, this variant has been classified as Pathogenic. This variant has not been reported in the literature in individuals with BLM-related conditions. ClinVar contains an entry for this variant (Variation ID: 556531). This sequence change creates a premature translational stop signal (p.Met1006Aspfs*16) in the BLM gene. It is expected to result in an absent or disrupted protein product. Loss-of-function variants in BLM are known to be pathogenic (PMID: 17407155).

Counsyl
Classification: Likely pathogenic for Bloom syndrome. Last evaluated: 2018-02-06. Review status: no assertion criteria provided. Collection method: clinical testing. Allele origin: unknown. Not counted in ClinVar's aggregate classification.

Literature cited by the submitters: PubMed 17407155 (cited by Labcorp Genetics (formerly Invitae), Labcorp).